The following is an entry in ClinVar:

NM_172250.3(MMAA):c.*2768A>T

Gene: MMAA (metabolism of cobalamin associated A; plus strand). Cytogenetic location: 4q31.21.
Variant type: single nucleotide variant.
Coding change: c.*2768A>T on transcript NM_172250.3 (MANE Select); 2768 bases downstream of the stop codon, A replaced by T.
Molecular consequence: 3 prime UTR variant.
Genome position (GRCh38, 1-based): chr4:145,658,202, A>T. VCF-style: chr4-145658202-A-T. GRCh37 (hg19) VCF-style: chr4-146579354-A-T.
Identifiers: ClinVar variation 347652 (VCV000347652.6), dbSNP rs7699166, ClinGen allele CA10620189.

ClinVar aggregate classification (germline): Benign. Review status: criteria provided, multiple submitters, no conflicts (2 of 4 stars). 2 submissions from 2 submitters: Benign (2). Last evaluated 2018-01-13.

Conditions:
Methylmalonic aciduria, cblA type (MACA). Also called: Methylmalonic aciduria, vitamin b12-responsive, due to defect in synthesis of adenosylcobalamin, cbla complementation type; MMA cbl A type; Methylmalonic acidemia cblA type; Methylmalonic aciduria, vitamin B12-responsive; Vitamin B12-responsive methylmalonic acidemia type cblA. Identifiers: Orphanet 28, Orphanet 79310, MedGen C1855109, MONDO:0009613, OMIM 251100.

Allele frequency attached by ClinVar (database versions not stated): gnomAD exomes 0.31250; gnomAD 0.51255 and 0.51403; TOPMed 0.53224; 1000 Genomes Project 0.56569; 1000 Genomes Project 30x 0.56808.
gnomAD v4.1: 77,955 of 152,078 alleles (51%); highest among the groups gnomAD compares: African/African-American, 71%; 21,338 homozygotes.

Submissions (2):

Illumina Laboratory Services, Illumina
Classification: Benign for Methylmalonic aciduria, cblA type. Last evaluated: 2018-01-13. Review status: criteria provided, single submitter. Criteria: ICSL Variant Classification Criteria 13 December 2019. Collection method: clinical testing. Allele origin: germline.
Comment: This variant was observed in the ICSL laboratory as part of a predisposition screen in an ostensibly healthy population. It had not been previously curated by ICSL or reported in the Human Gene Mutation Database (HGMD: prior to June 1st, 2018), and was therefore a candidate for classification through an automated scoring system. Utilizing variant allele frequency, disease prevalence and penetrance estimates, and inheritance mode, an automated score was calculated to assess if this variant is too frequent to cause the disease. Based on the score and internal cut-off values, a variant classified as benign is not then subjected to further curation. The score for this variant resulted in a classification of benign for this disease.

Breakthrough Genomics
Classification: Benign. Review status: criteria provided, single submitter. Criteria: ACMG Guidelines, 2015. Collection method: not provided. Allele origin: germline. Inheritance: Autosomal recessive inheritance. Affected: yes.